The following is an entry in ClinVar:

NM_000045.4(ARG1):c.429dup (p.Pro144fs)

Genes: ARG1 (arginase 1; plus strand), MED23 (mediator complex subunit 23; minus strand). Cytogenetic location: 6q23.2.
Variant type: Duplication.
Coding change: c.429dup on transcript NM_000045.4 (MANE Select); coding-DNA position 429, one base duplicated (A; older notation c.429dupA).
Protein change: p.Pro144fs; shifts the reading frame from proline 144.
Molecular consequence: frameshift variant. On other transcripts: non-coding transcript variant (1), intron variant (3).
Genome position (GRCh38, 1-based): chr6:131,581,342, A duplicated; the last of 2 consecutive A bases (chr6:131,581,341-131,581,342); duplicating either gives the same sequence. VCF-style (leftmost placement, unchanged base first): chr6-131581340-C-CA. GRCh37 (hg19) VCF-style: chr6-131902480-C-CA.
Other names: c.453dup, p.Pro152fs (NM_001244438.2); c.306-1718dup (NM_001369020.1); c.4077+6368dup (NM_001270521.2); c.4095+6368dup (NM_015979.4); short protein forms P144fs, P152fs.
Identifiers: ClinVar variation 5016102 (VCV005016102.1).

ClinVar aggregate classification (germline): Pathogenic (1 of 4 stars; one submission).

Conditions:
Arginase deficiency. Also called: ARGININEMIA; ARG1 DEFICIENCY; Arginase 1 Deficiency. Identifiers: Orphanet 90, MedGen C0268548, MONDO:0008814, OMIM 207800.

Submission:

Myriad Genetics, Inc.
Classification: Pathogenic for Arginase deficiency. Last evaluated: 2026-07-01. Review status: criteria provided, single submitter. Criteria: Myriad Autosomal Dominant, Autosomal Recessive and X-Linked Classification Criteria (2023). Collection method: clinical testing. Allele origin: unknown.
Comment: NM_000045.3(ARG1):c.429dupA(P144Tfs*53) is expected to be pathogenic in the context of argininemia. This variant is predicted to lead to an abnormal or absent protein product due to the creation of a premature termination codon in ARG1, a gene where loss-of-function variants are known to be pathogenic. Please note: this variant was assessed in the context of healthy population screening.